The following is an entry in ClinVar:

ClinVar aggregate classification (germline): Uncertain significance (1 of 4 stars; one submission).

Conditions:
Primary ciliary dyskinesia. Also called: Ciliary dyskinesia. Identifiers: Orphanet 244, MedGen C0008780, MONDO:0016575, HP:0012265.

gnomAD v4.1: 35 of 1,612,170 alleles (0.0022%); highest among the groups gnomAD compares: South Asian, 0.0077%; no homozygotes.

Submission:

Ambry Genetics
Classification: Uncertain significance for Primary ciliary dyskinesia. Last evaluated: 2025-11-22. Review status: criteria provided, single submitter. Criteria: Ambry Variant Classification Scheme 2023. Collection method: clinical testing. Allele origin: germline.
Comment: The p.V341M variant (also known as c.1021G>A), located in coding exon 9 of the LRRC6 gene, results from a G to A substitution at nucleotide position 1021. The valine at codon 341 is replaced by methionine, an amino acid with highly similar properties. This amino acid position is conserved. In addition, the in silico prediction for this alteration is inconclusive. Based on the available evidence, the clinical significance of this variant remains unclear.

NM_012472.6(DNAAF11):c.1021G>A (p.Val341Met)

Gene: DNAAF11 (dynein axonemal assembly factor 11; minus strand). Cytogenetic location: 8q24.22.
Variant type: single nucleotide variant.
Coding change: c.1021G>A on transcript NM_012472.6 (MANE Select); coding-DNA position 1021, G replaced by A.
Protein change: p.Val341Met; replaces valine 341 with methionine.
Molecular consequence: missense variant. On other transcripts: non-coding transcript variant (10).
Genome position (GRCh38, 1-based): chr8:132,611,317, C>T on the plus strand (G>A on the coding strand, the complement: DNAAF11 is on the minus strand). VCF-style: chr8-132611317-C-T. GRCh37 (hg19) VCF-style: chr8-133623563-C-T.
Other names: c.961G>A, p.Val321Met (NM_001321961.2); c.775G>A, p.Val259Met (NM_001321962.2); c.661G>A, p.Val221Met (NM_001321963.2, NM_001321964.2, NM_001321965.2); c.601G>A, p.Val201Met (NM_001321966.2); short protein forms V221M, V259M, V201M, V321M, V341M.
Identifiers: ClinVar variation 2321804 (VCV002321804.2), dbSNP rs746914801, ClinGen allele CA4881201.
Genomic context (GRCh38, chr8:132,611,317, plus strand): 5'-CTTTTGAAATTGTAATAGCCTACAGGGTTCTACTTACCTTTCCTTTGATCATTACTCGCA[C>T]GTAAGTTGGTTGCACATCAACATCGATTAAAGAGGTATCCATATACCTTCAAAATTAAAC-3'
Protein context (NP_036604.2, residues 331-351): LIDVDVQPTY[Val341Met]RVMIKGKPFQ